The following is an entry in ClinVar:

NC_000006.11:g.(?_64940465)_(64940737_?)dup

Gene: EYS (eyes shut homolog; minus strand). Cytogenetic location: 6q12.
Variant type: Duplication.
Identifiers: ClinVar variation 3246131 (VCV003246131.1).

ClinVar aggregate classification (germline): Likely pathogenic (1 of 4 stars; one submission).

Submission:

Labcorp Genetics (formerly Invitae), Labcorp
Classification: Likely pathogenic. Last evaluated: 2023-03-01. Review status: criteria provided, single submitter. Criteria: Invitae Variant Classification Sherloc (09022015). Collection method: clinical testing. Allele origin: unknown.
Comment: In summary, the currently available evidence indicates that the variant is pathogenic, but additional data are needed to prove that conclusively. Therefore, this variant has been classified as Likely Pathogenic. This variant has not been reported in the literature in individuals affected with EYS-related conditions. This variant results in a copy number gain of the genomic region encompassing exon(s) 31 of the EYS gene. While the exact position of this variant cannot be determined from the data, sub-genic copy number gains are generally in tandem (PMID: 25640679). This variant is predicted to be out-of-frame, and may result in an absent or disrupted protein product. Loss-of-function variants in EYS are known to be pathogenic (PMID: 18836446, 20333770).

Literature cited by the submitters: PubMed 25640679; PubMed 18836446; PubMed 20333770.